The following is an entry in ClinVar:

NM_004813.4(PEX16):c.178C>G (p.Leu60Val)

Gene: PEX16 (peroxisomal biogenesis factor 16; minus strand). Cytogenetic location: 11p11.2.
Variant type: single nucleotide variant.
Coding change: c.178C>G on transcript NM_004813.4 (MANE Select); coding-DNA position 178, C replaced by G.
Protein change: p.Leu60Val; replaces leucine 60 with valine.
Molecular consequence: missense variant.
Genome position (GRCh38, 1-based): chr11:45,916,274, G>C on the plus strand (C>G on the coding strand, the complement: PEX16 is on the minus strand). VCF-style: chr11-45916274-G-C. GRCh37 (hg19) VCF-style: chr11-45937825-G-C.
Other names: c.178C>G, p.Leu60Val (NM_057174.3); short protein forms L60V.
Identifiers: ClinVar variation 1356321 (VCV001356321.8), dbSNP rs2086834164, ClinGen allele CA380229172.

ClinVar aggregate classification (germline): Uncertain significance (1 of 4 stars; one submission).

Conditions:
Peroxisome biogenesis disorder. Identifiers: Orphanet 79189, MedGen C1832200, MONDO:0019234. Disease mechanism: loss of function.

Allele frequency attached by ClinVar (database versions not stated): TOPMed below 0.00001.

Submission:

Labcorp Genetics (formerly Invitae), Labcorp
Classification: Uncertain significance for Peroxisome biogenesis disorder. Last evaluated: 2023-12-07. Review status: criteria provided, single submitter. Criteria: Invitae Variant Classification Sherloc (09022015). Collection method: clinical testing. Allele origin: germline.
Comment: This sequence change replaces leucine, which is neutral and non-polar, with valine, which is neutral and non-polar, at codon 60 of the PEX16 protein (p.Leu60Val). This variant is not present in population databases (gnomAD no frequency). This variant has not been reported in the literature in individuals affected with PEX16-related conditions. ClinVar contains an entry for this variant (Variation ID: 1356321). Advanced modeling of protein sequence and biophysical properties (such as structural, functional, and spatial information, amino acid conservation, physicochemical variation, residue mobility, and thermodynamic stability) performed at Invitae indicates that this missense variant is not expected to disrupt PEX16 protein function with a negative predictive value of 80%. In summary, the available evidence is currently insufficient to determine the role of this variant in disease. Therefore, it has been classified as a Variant of Uncertain Significance.